The following is an entry in ClinVar:

NM_005045.4(RELN):c.6607C>A (p.Leu2203Ile)

Gene: RELN (reelin; minus strand). Cytogenetic location: 7q22.1.
Variant type: single nucleotide variant.
Coding change: c.6607C>A on transcript NM_005045.4 (MANE Select); coding-DNA position 6607, C replaced by A.
Protein change: p.Leu2203Ile; replaces leucine 2203 with isoleucine.
Molecular consequence: missense variant.
Genome position (GRCh38, 1-based): chr7:103,542,795, G>T on the plus strand (C>A on the coding strand, the complement: RELN is on the minus strand). VCF-style: chr7-103542795-G-T. GRCh37 (hg19) VCF-style: chr7-103183242-G-T.
Other names: c.6607C>A, p.Leu2203Ile (NM_173054.3); short protein forms L2203I.
Identifiers: ClinVar variation 1036486 (VCV001036486.4), dbSNP rs1296074586, ClinGen allele CA368770375.

ClinVar aggregate classification (germline): Uncertain significance (1 of 4 stars; one submission).

Conditions:
Norman-Roberts syndrome (LIS2). Also called: Lissencephaly 2 (Norman-Roberts type). Identifiers: Orphanet 89844, MedGen C0796089, MONDO:0009760, OMIM 257320.
Familial temporal lobe epilepsy 7. Identifiers: Orphanet 101046, MedGen C4225327, MONDO:0014639, OMIM 616436.

Allele frequency attached by ClinVar (database versions not stated): gnomAD 0.00001; gnomAD exomes 0.00001; TOPMed 0.00002.
gnomAD v4.1: 9 of 1,613,930 alleles (0.00056%); highest among the groups gnomAD compares: African/African-American, 0.0013%; no homozygotes.

Submission:

Labcorp Genetics (formerly Invitae), Labcorp
Classification: Uncertain significance for Familial temporal lobe epilepsy 7; Norman-Roberts syndrome. Last evaluated: 2021-10-29. Review status: criteria provided, single submitter. Criteria: Invitae Variant Classification Sherloc (09022015). Collection method: clinical testing. Allele origin: germline.
Comment: This sequence change replaces leucine, which is neutral and non-polar, with isoleucine, which is neutral and non-polar, at codon 2203 of the RELN protein (p.Leu2203Ile). This variant is present in population databases (no rsID available, gnomAD 0.003%). This variant has not been reported in the literature in individuals affected with RELN-related conditions. ClinVar contains an entry for this variant (Variation ID: 1036486). Algorithms developed to predict the effect of missense changes on protein structure and function are either unavailable or do not agree on the potential impact of this missense change (SIFT: "Deleterious"; PolyPhen-2: "Probably Damaging"; Align-GVGD: "Class C0"). In summary, the available evidence is currently insufficient to determine the role of this variant in disease. Therefore, it has been classified as a Variant of Uncertain Significance.